The following is an entry in ClinVar:

ClinVar aggregate classification (germline): Uncertain significance. Review status: criteria provided, single submitter (1 of 4 stars). 2 submissions from 2 submitters: Uncertain significance (1). 1 of the submissions does not count toward it. Last evaluated 2021-12-10.

Conditions:
NUP188-related disorder. Also called: NUP188-related condition.
Inborn genetic diseases. Identifiers: MedGen C0950123, MeSH D030342.

Allele frequency attached by ClinVar (database versions not stated): 1000 Genomes Project 30x 0.00016; 1000 Genomes Project 0.00020; gnomAD 0.00052; gnomAD exomes 0.00052; ExAC 0.00053; ESP Exome Variant Server 0.00062; TOPMed 0.00062.
gnomAD v4.1: 847 of 1,614,158 alleles (0.052%); highest among the groups gnomAD compares: Admixed American, 0.1%; 1 homozygote.

Submissions (2):

Ambry Genetics
Classification: Uncertain significance for Inborn genetic diseases. Last evaluated: 2021-12-10. Review status: criteria provided, single submitter. Criteria: Ambry Variant Classification Scheme 2023. Collection method: clinical testing. Allele origin: germline.

PreventionGenetics, part of Exact Sciences
Classification: Likely benign for NUP188-related condition. Last evaluated: 2024-02-13. Review status: no assertion criteria provided. Collection method: clinical testing. Allele origin: germline. Not counted in ClinVar's aggregate classification.
Comment: This variant is classified as likely benign based on ACMG/AMP sequence variant interpretation guidelines (Richards et al. 2015 PMID: 25741868, with internal and published modifications).

NM_015354.3(NUP188):c.1741T>C (p.Ser581Pro)

Gene: NUP188 (nucleoporin 188; plus strand). Cytogenetic location: 9q34.11.
Variant type: single nucleotide variant.
Coding change: c.1741T>C on transcript NM_015354.3 (MANE Select); coding-DNA position 1741, T replaced by C.
Protein change: p.Ser581Pro; replaces serine 581 with proline.
Molecular consequence: missense variant.
Genome position (GRCh38, 1-based): chr9:128,982,973, T>C. VCF-style: chr9-128982973-T-C. GRCh37 (hg19) VCF-style: chr9-131745252-T-C.
Other names: c.1741T>C (NM_015354.2); short protein forms S581P.
Identifiers: ClinVar variation 2218460 (VCV002218460.5), dbSNP rs61749217, ClinGen allele CA5272425.
Genomic context (GRCh38, chr9:128,982,973, plus strand): 5'-CACTGCCAGCGAGTCAAACCCATCATTGATCTCGTCCATAAGGTCATCAGTACAGACCTG[T>C]CGATAGCAGACTGTCTCCTGCCCATCACATCTCGCATCTACATGCTGCTGCAGCGGTGAG-3'
Protein context (NP_056169.1, residues 571-591): LVHKVISTDL[Ser581Pro]IADCLLPITS